The following is an entry in ClinVar:

ClinVar aggregate classification (germline): Uncertain significance (1 of 4 stars; one submission).

Conditions:
Acrocallosal syndrome (ACLS). Also called: HALLUX DUPLICATION, POSTAXIAL POLYDACTYLY, AND ABSENCE OF CORPUS CALLOSUM; Schinzel syndrome 1; Absence of corpus callosum with unusual facial appearance, mental deficiency, duplication of the halluces and polydactyly. Identifiers: Orphanet 36, MedGen C0796147, MONDO:0008708, OMIM 200990.

Submission:

Labcorp Genetics (formerly Invitae), Labcorp
Classification: Uncertain significance for Acrocallosal syndrome. Last evaluated: 2021-05-19. Review status: criteria provided, single submitter. Criteria: Invitae Variant Classification Sherloc (09022015). Collection method: clinical testing. Allele origin: germline.
Comment: In summary, the available evidence is currently insufficient to determine the role of this variant in disease. Therefore, it has been classified as a Variant of Uncertain Significance. Experimental studies and prediction algorithms are not available or were not evaluated, and the functional significance of this variant is currently unknown. This variant has not been reported in the literature in individuals with KIF7-related conditions. The frequency data for this variant in the population databases is not available, as this variant may be reported as separate entries in the ExAC database. This variant, c.2487_2488delinsTT, is a complex sequence change that results in the deletion of two and insertion of two amino acid(s) in the KIF7 protein (p.Gln829_Leu830delinsHisPhe).

NM_198525.3(KIF7):c.2487_2488delinsTT (p.Gln829_Leu830delinsHisPhe)

Gene: KIF7 (kinesin family member 7; minus strand). Cytogenetic location: 15q26.1.
Variant type: Indel.
Coding change: c.2487_2488delinsTT on transcript NM_198525.3 (MANE Select); coding-DNA positions 2487 to 2488, GC replaced by TT.
Protein change: p.Gln829_Leu830delinsHisPhe.
Molecular consequence: missense variant.
Genome position (GRCh38, 1-based): chr15:89,633,790-89,633,791, GC replaced by AA on the plus strand (GC replaced by TT on the coding strand, the reverse complement: KIF7 is on the minus strand). VCF-style: chr15-89633790-GC-AA. GRCh37 (hg19) VCF-style: chr15-90177021-GC-AA.
Identifiers: ClinVar variation 1463378 (VCV001463378.8), dbSNP rs2142002481, ClinGen allele CA2573151361.